The following is an entry in ClinVar:

NM_001082486.2(ACD):c.-12G>A

Gene: ACD (ACD shelterin complex subunit and telomerase recruitment factor; minus strand). Cytogenetic location: 16q22.1.
Variant type: single nucleotide variant.
Coding change: c.-12G>A on transcript NM_001082486.2 (MANE Select); 12 bases upstream of the start codon, G replaced by A.
Molecular consequence: 5 prime UTR variant.
Genome position (GRCh38, 1-based): chr16:67,660,232, C>T on the plus strand (G>A on the coding strand, the complement: ACD is on the minus strand). VCF-style: chr16-67660232-C-T. GRCh37 (hg19) VCF-style: chr16-67694135-C-T.
Other names: c.-12G>A (NM_001410884.1, NM_022914.3).
Identifiers: ClinVar variation 1791898 (VCV001791898.2), dbSNP rs2543611865, ClinGen allele CA396359263.

ClinVar aggregate classification (germline): Uncertain significance (1 of 4 stars; one submission).

Conditions:
Inborn genetic diseases. Identifiers: MedGen C0950123, MeSH D030342.

Submission:

Ambry Genetics
Classification: Uncertain significance for Inborn genetic diseases. Last evaluated: 2022-06-21. Review status: criteria provided, single submitter. Criteria: Ambry Variant Classification Scheme 2023. Collection method: clinical testing. Allele origin: germline.
Comment: The p.V83I variant (also known as c.247G>A), located in coding exon 1 of the ACD gene, results from a G to A substitution at nucleotide position 247. The valine at codon 83 is replaced by isoleucine, an amino acid with highly similar properties. This amino acid position is conserved. In addition, this alteration is predicted to be tolerated by in silico analysis. Since supporting evidence is limited at this time, the clinical significance of this alteration remains unclear.